The following is an entry in ClinVar:

ClinVar aggregate classification (germline): Uncertain significance (1 of 4 stars; one submission).

Submission:

GeneDx
Classification: Uncertain significance. Last evaluated: 2024-06-02. Review status: criteria provided, single submitter. Criteria: GeneDx Variant Classification Process June 2021. Collection method: clinical testing. Allele origin: germline. Affected: yes.
Comment: Not observed at significant frequency in large population cohorts (gnomAD); In silico analysis indicates that this missense variant does not alter protein structure/function; Has not been previously published as pathogenic or benign to our knowledge.

NM_006265.3(RAD21):c.1600G>A (p.Glu534Lys)

Gene: RAD21 (RAD21 cohesin complex component; minus strand). Cytogenetic location: 8q24.11.
Variant type: single nucleotide variant.
Coding change: c.1600G>A on transcript NM_006265.3 (MANE Select); coding-DNA position 1600, G replaced by A.
Protein change: p.Glu534Lys; replaces glutamic acid 534 with lysine.
Molecular consequence: missense variant.
Genome position (GRCh38, 1-based): chr8:116,850,638, C>T on the plus strand (G>A on the coding strand, the complement: RAD21 is on the minus strand). VCF-style: chr8-116850638-C-T. GRCh37 (hg19) VCF-style: chr8-117862877-C-T.
Other names: short protein forms E534K.
Identifiers: ClinVar variation 3383905 (VCV003383905.1).